The following is an entry in ClinVar:

ClinVar aggregate classification (germline): Uncertain significance. Review status: criteria provided, multiple submitters, no conflicts (2 of 4 stars). 4 submissions from 4 submitters: Uncertain significance (4). Last evaluated 2025-07-09.

Conditions:
Ataxia-telangiectasia syndrome (AT). Also called: Ataxia telangiectasia (A-T); ATAXIA-TELANGIECTASIA, COMPLEMENTATION GROUP A; ATAXIA-TELANGIECTASIA, FRESNO VARIANT; Ataxia-telangiectasia; Ataxia-telangiectasia, complementation group E; LOUIS-BAR SYNDROME. Identifiers: Orphanet 100, MedGen C0004135, MONDO:0008840, OMIM 208900.
Hereditary cancer-predisposing syndrome. Also called: Neoplastic Syndromes, Hereditary; Tumor predisposition; Hereditary Cancer Syndrome; Hereditary neoplastic syndrome. Identifiers: Orphanet 140162, MedGen C0027672, MeSH D009386, MONDO:0015356.

Submissions (4):

Women's Health and Genetics/Laboratory Corporation of America, LabCorp
Classification: Uncertain significance. Last evaluated: 2025-07-09. Review status: criteria provided, single submitter. Criteria: LabCorp Variant Classification Summary - May 2015. Collection method: clinical testing. Allele origin: germline.
Comment: Variant summary: ATM c.7390T>G (p.Cys2464Gly) results in a non-conservative amino acid change in the encoded protein sequence. Algorithms developed to predict the effect of missense changes on protein structure and function are either unavailable or do not agree on the potential impact of this missense change. The variant was absent in 251280 control chromosomes. The available data on variant occurrences in the general population are insufficient to allow any conclusion about variant significance. To our knowledge, no occurrence of c.7390T>G in individuals affected with Prostate Cancer or other ATM-related disorders and no experimental evidence demonstrating its impact on protein function have been reported. ClinVar contains an entry for this variant (Variation ID: 1037286). Based on the evidence outlined above, the variant was classified as uncertain significance.

Ambry Genetics
Classification: Uncertain significance for Hereditary cancer-predisposing syndrome. Last evaluated: 2025-03-29. Review status: criteria provided, single submitter. Criteria: Ambry Variant Classification Scheme 2023. Collection method: clinical testing. Allele origin: germline.
Comment: The p.C2464G variant (also known as c.7390T>G), located in coding exon 49 of the ATM gene, results from a T to G substitution at nucleotide position 7390. The cysteine at codon 2464 is replaced by glycine, an amino acid with highly dissimilar properties. This amino acid position is well conserved in available vertebrate species. In addition, the in silico prediction for this alteration is inconclusive. Based on the available evidence, the clinical significance of this variant remains unclear.

Revvity Omics, Revvity
Classification: Uncertain significance for Ataxia-telangiectasia syndrome. Last evaluated: 2024-12-25. Review status: criteria provided, single submitter. Criteria: ACMG Guidelines, 2015. Collection method: clinical testing. Allele origin: germline.

Labcorp Genetics (formerly Invitae), Labcorp
Classification: Uncertain significance for Ataxia-telangiectasia syndrome. Last evaluated: 2021-09-01. Review status: criteria provided, single submitter. Criteria: Invitae Variant Classification Sherloc (09022015). Collection method: clinical testing. Allele origin: germline.
Comment: This sequence change replaces cysteine with glycine at codon 2464 of the ATM protein (p.Cys2464Gly). The cysteine residue is moderately conserved and there is a large physicochemical difference between cysteine and glycine. This variant is not present in population databases (ExAC no frequency). This variant has not been reported in the literature in individuals affected with ATM-related conditions. Algorithms developed to predict the effect of missense changes on protein structure and function (SIFT, PolyPhen-2, Align-GVGD) all suggest that this variant is likely to be tolerated. Algorithms developed to predict the effect of sequence changes on RNA splicing suggest that this variant may create or strengthen a splice site. In summary, the available evidence is currently insufficient to determine the role of this variant in disease. Therefore, it has been classified as a Variant of Uncertain Significance.

NM_000051.4(ATM):c.7390T>G (p.Cys2464Gly)

Genes: ATM (ATM serine/threonine kinase; plus strand), C11orf65 (chromosome 11 open reading frame 65; minus strand). Cytogenetic location: 11q22.3.
Variant type: single nucleotide variant.
Coding change: c.7390T>G on transcript NM_000051.4 (MANE Select); coding-DNA position 7390, T replaced by G.
Protein change: p.Cys2464Gly; replaces cysteine 2464 with glycine.
Molecular consequence: missense variant. On other transcripts: intron variant (2).
Genome position (GRCh38, 1-based): chr11:108,330,296, T>G. VCF-style: chr11-108330296-T-G. GRCh37 (hg19) VCF-style: chr11-108201023-T-G.
Other names: c.7390T>G, p.Cys2464Gly (NM_001351834.2); c.641-21225A>C (NM_001330368.2); c.*38+4924A>C (NM_001351110.2); short protein forms C2464G.
Identifiers: ClinVar variation 1037286 (VCV001037286.10), dbSNP rs55801750, ClinGen allele CA382560059.